The following is an entry in ClinVar:

ClinVar aggregate classification (germline): Uncertain significance. Review status: criteria provided, multiple submitters, no conflicts (2 of 4 stars). 2 submissions from 2 submitters: Uncertain significance (2). Last evaluated 2026-09-01.

Conditions:
Inborn genetic diseases. Identifiers: MedGen C0950123, MeSH D030342.

Allele frequency attached by ClinVar (database versions not stated): TOPMed below 0.00001; ExAC 0.00001.

Submissions (2):

Ambry Genetics
Classification: Uncertain significance for Inborn genetic diseases. Last evaluated: 2026-09-01. Review status: criteria provided, single submitter. Criteria: Ambry Variant Classification Scheme 2023. Collection method: clinical testing. Allele origin: germline.
Comment: The c.1979C>T (p.A660V) alteration is located in exon 17 (coding exon 17) of the KDM1A gene. This alteration results from a C to T substitution at nucleotide position 1979, causing the alanine (A) at amino acid position 660 to be replaced by a valine (V). Based on data from gnomAD, the T allele has an overall frequency of <0.001% (1/251212) total alleles studied. The highest observed frequency was 0.005% (1/18388) of East Asian alleles. Based on insufficient or conflicting evidence, the clinical significance of this alteration remains unclear.

Labcorp Genetics (formerly Invitae), Labcorp
Classification: Uncertain significance. Last evaluated: 2025-10-21. Review status: criteria provided, single submitter. Criteria: Invitae Variant Classification Sherloc (09022015). Collection method: clinical testing. Allele origin: germline.
Comment: This sequence change replaces alanine, which is neutral and non-polar, with valine, which is neutral and non-polar, at codon 660 of the KDM1A protein (p.Ala660Val). This variant is present in population databases (rs753263196, gnomAD 0.006%). This variant has not been reported in the literature in individuals affected with KDM1A-related conditions. ClinVar contains an entry for this variant (Variation ID: 2881093). Invitae Evidence Modeling of protein sequence and biophysical properties (such as structural, functional, and spatial information, amino acid conservation, physicochemical variation, residue mobility, and thermodynamic stability) indicates that this missense variant is not expected to disrupt KDM1A protein function with a negative predictive value of 80%. In summary, the available evidence is currently insufficient to determine the role of this variant in disease. Therefore, it has been classified as a Variant of Uncertain Significance.

NM_001009999.3(KDM1A):c.1979C>T (p.Ala660Val)

Gene: KDM1A (lysine demethylase 1A; plus strand). Cytogenetic location: 1p36.12.
Variant type: single nucleotide variant.
Coding change: c.1979C>T on transcript NM_001009999.3 (MANE Select); coding-DNA position 1979, C replaced by T.
Protein change: p.Ala660Val; replaces alanine 660 with valine.
Molecular consequence: missense variant.
Genome position (GRCh38, 1-based): chr1:23,079,101, C>T. VCF-style: chr1-23079101-C-T. GRCh37 (hg19) VCF-style: chr1-23405594-C-T.
Other names: c.1979C>T (NM_001009999.2); c.1925C>T, p.Ala642Val (NM_001363654.2); c.1985C>T, p.Ala662Val (NM_001410762.1); c.1907C>T, p.Ala636Val (NM_001410763.1, NM_015013.4); short protein forms A662V, A642V, A660V, A636V.
Identifiers: ClinVar variation 2881093 (VCV002881093.4), dbSNP rs753263196, ClinGen allele CA679873.